The following is an entry in ClinVar:

ClinVar aggregate classification (germline): Uncertain significance (1 of 4 stars; one submission).

Allele frequency attached by ClinVar (database versions not stated): TOPMed below 0.00001; gnomAD 0.00001.
gnomAD v4.1: 1 of 1,613,912 alleles (0.000062%); highest among the groups gnomAD compares: African/African-American, 0.0013%; no homozygotes.

Submission:

Labcorp Genetics (formerly Invitae), Labcorp
Classification: Uncertain significance. Last evaluated: 2021-12-27. Review status: criteria provided, single submitter. Criteria: Invitae Variant Classification Sherloc (09022015). Collection method: clinical testing. Allele origin: germline.
Comment: Algorithms developed to predict the effect of missense changes on protein structure and function (SIFT, PolyPhen-2, Align-GVGD) all suggest that this variant is likely to be tolerated. In summary, the available evidence is currently insufficient to determine the role of this variant in disease. Therefore, it has been classified as a Variant of Uncertain Significance. This variant has not been reported in the literature in individuals affected with KIAA0556-related conditions. This variant is not present in population databases (gnomAD no frequency). This sequence change replaces serine, which is neutral and polar, with proline, which is neutral and non-polar, at codon 838 of the KIAA0556 protein (p.Ser838Pro).

NM_015202.5(KATNIP):c.2512T>C (p.Ser838Pro)

Gene: KATNIP (katanin interacting protein; plus strand). Cytogenetic location: 16p12.1.
Variant type: single nucleotide variant.
Coding change: c.2512T>C on transcript NM_015202.5 (MANE Select); coding-DNA position 2512, T replaced by C.
Protein change: p.Ser838Pro; replaces serine 838 with proline.
Molecular consequence: missense variant.
Genome position (GRCh38, 1-based): chr16:27,740,809, T>C. VCF-style: chr16-27740809-T-C. GRCh37 (hg19) VCF-style: chr16-27752130-T-C.
Other names: short protein forms S838P.
Identifiers: ClinVar variation 1682059 (VCV001682059.8), dbSNP rs2081076356, ClinGen allele CA395322656.